The following is an entry in ClinVar:

NM_000038.6(APC):c.5342A>G (p.Gln1781Arg)

Gene: APC (APC regulator of Wnt signaling pathway; plus strand). Cytogenetic location: 5q22.2.
Variant type: single nucleotide variant.
Coding change: c.5342A>G on transcript NM_000038.6 (MANE Select); coding-DNA position 5342, A replaced by G.
Protein change: p.Gln1781Arg; replaces glutamine 1781 with arginine.
Molecular consequence: missense variant.
Genome position (GRCh38, 1-based): chr5:112,840,936, A>G. VCF-style: chr5-112840936-A-G. GRCh37 (hg19) VCF-style: chr5-112176633-A-G.
Other names: c.5342A>G, p.Gln1781Arg (NM_001127510.3, NM_001354895.2); c.5288A>G, p.Gln1763Arg (NM_001127511.3); c.5396A>G, p.Gln1799Arg (NM_001354896.2); c.5372A>G, p.Gln1791Arg (NM_001354897.2); c.5267A>G, p.Gln1756Arg (NM_001354898.2); c.5258A>G, p.Gln1753Arg (NM_001354899.2); c.5219A>G, p.Gln1740Arg (NM_001354900.2); c.5165A>G, p.Gln1722Arg (NM_001354901.2); and 5 more; short protein forms Q1655R, Q1740R, Q1498R, Q1680R, Q1763R, Q1621R, Q1722R, Q1753R.
Identifiers: ClinVar variation 1047224 (VCV001047224.10), dbSNP rs1765928481, ClinGen allele CA16033007.

ClinVar aggregate classification (germline): Uncertain significance (1 of 4 stars; one submission).

Conditions:
Familial adenomatous polyposis 1 (FAP1). Also called: POLYPOSIS, ADENOMATOUS INTESTINAL; FAMILIAL ADENOMATOUS POLYPOSIS 1, ATTENUATED. Identifiers: MedGen C2713442, MONDO:0021056, OMIM 175100. Disease mechanism: loss of function.

Allele frequency attached by ClinVar (database versions not stated): TOPMed below 0.00001.

Submission:

Labcorp Genetics (formerly Invitae), Labcorp
Classification: Uncertain significance for Familial adenomatous polyposis 1. Last evaluated: 2022-08-16. Review status: criteria provided, single submitter. Criteria: Invitae Variant Classification Sherloc (09022015). Collection method: clinical testing. Allele origin: germline.
Comment: This variant is not present in population databases (gnomAD no frequency). Algorithms developed to predict the effect of missense changes on protein structure and function are either unavailable or do not agree on the potential impact of this missense change (SIFT: "Tolerated"; PolyPhen-2: "Probably Damaging"; Align-GVGD: "Class C0"). ClinVar contains an entry for this variant (Variation ID: 1047224). This variant has not been reported in the literature in individuals affected with APC-related conditions. This sequence change replaces glutamine, which is neutral and polar, with arginine, which is basic and polar, at codon 1781 of the APC protein (p.Gln1781Arg). In summary, the available evidence is currently insufficient to determine the role of this variant in disease. Therefore, it has been classified as a Variant of Uncertain Significance.